The following is an entry in ClinVar:

NM_000069.3(CACNA1S):c.3706C>T (p.Arg1236Cys)

Gene: CACNA1S (calcium voltage-gated channel subunit alpha1 S; minus strand). Cytogenetic location: 1q32.1.
Variant type: single nucleotide variant.
Coding change: c.3706C>T on transcript NM_000069.3 (MANE Select); coding-DNA position 3706, C replaced by T.
Protein change: p.Arg1236Cys; replaces arginine 1236 with cysteine.
Molecular consequence: missense variant.
Genome position (GRCh38, 1-based): chr1:201,053,548, G>A on the plus strand (C>T on the coding strand, the complement: CACNA1S is on the minus strand). VCF-style: chr1-201053548-G-A. GRCh37 (hg19) VCF-style: chr1-201022676-G-A.
Other names: short protein forms R1236C.
Identifiers: ClinVar variation 1045067 (VCV001045067.11), dbSNP rs1311389470, ClinGen allele CA344154840.

ClinVar aggregate classification (germline): Uncertain significance. Review status: criteria provided, multiple submitters, no conflicts (2 of 4 stars). 2 submissions from 2 submitters: Uncertain significance (2). Last evaluated 2025-08-15.

Conditions:
Hypokalemic periodic paralysis, type 1. Also called: HypoPP; Hypokalemic Periodic Paralysis Type 1 (AD). Identifiers: Orphanet 681, MedGen C3714580, MONDO:0042979, OMIM 170400.
Malignant hyperthermia, susceptibility to, 5 (MHS5). Also called: CACNA1S-Related Malignant Hyperthermia Susceptibility. Identifiers: Orphanet 423, MedGen C1866077, MONDO:0011163, OMIM 601887.

Allele frequency attached by ClinVar (database versions not stated): gnomAD 0.00001; gnomAD exomes 0.00001; TOPMed 0.00001.
gnomAD v4.1: 7 of 1,614,002 alleles (0.00043%); highest among the groups gnomAD compares: African/African-American, 0.004%; no homozygotes.

Submissions (2):

Labcorp Genetics (formerly Invitae), Labcorp
Classification: Uncertain significance for Hypokalemic periodic paralysis, type 1; Malignant hyperthermia, susceptibility to, 5. Last evaluated: 2025-08-15. Review status: criteria provided, single submitter. Criteria: Invitae Variant Classification Sherloc (09022015). Collection method: clinical testing. Allele origin: germline.
Comment: This sequence change replaces arginine, which is basic and polar, with cysteine, which is neutral and slightly polar, at codon 1236 of the CACNA1S protein (p.Arg1236Cys). This variant is present in population databases (no rsID available, gnomAD 0.007%). This missense change has been observed in individual(s) with clinical features of CACNA1S-related conditions (internal data). ClinVar contains an entry for this variant (Variation ID: 1045067). Invitae Evidence Modeling of protein sequence and biophysical properties (such as structural, functional, and spatial information, amino acid conservation, physicochemical variation, residue mobility, and thermodynamic stability) has been performed for this missense variant. However, the output from this modeling did not meet the statistical confidence thresholds required to predict the impact of this variant on CACNA1S protein function. In summary, the available evidence is currently insufficient to determine the role of this variant in disease. Therefore, it has been classified as a Variant of Uncertain Significance.

All of Us Research Program, National Institutes of Health
Classification: Uncertain significance for Malignant hyperthermia, susceptibility to, 5. Last evaluated: 2024-03-28. Review status: criteria provided, single submitter. Criteria: ACMG Guidelines, 2015. Collection method: clinical testing. Allele origin: germline. Inheritance: Autosomal dominant inheritance. Observed: 2 variant alleles, 2 heterozygotes.
Comment: This missense variant replaces arginine with cysteine at codon 1236 of the CACNA1S protein. Computational prediction suggests that this variant may have deleterious impact on protein structure and function (internally defined REVEL score threshold >= 0.7, PMID: 27666373). To our knowledge, functional studies have not been reported for this variant. This variant has not been reported in individuals affected with CACNA1S-related disorders in the literature. This variant has been identified in 2/251030 chromosomes in the general population by the Genome Aggregation Database (gnomAD). The available evidence is insufficient to determine the role of this variant in disease conclusively. Therefore, this variant is classified as a Variant of Uncertain Significance.

This study involves interpretation of variants in research participants for the purpose of population health screening. Participant phenotype was not available at the time of variant classification. Additional details can be found in publication PMID: 35346344, PMCID: PMC8962531